The following is an entry in ClinVar:

NM_139058.3(ARX):c.398C>T (p.Ala133Val)

Genes: ARX (aristaless related homeobox; minus strand), LOC109610631 (aristaless related homeobox polyalanine expansion region; plus strand). Cytogenetic location: Xp21.3.
Variant type: single nucleotide variant.
Coding change: c.398C>T on transcript NM_139058.3 (MANE Select); coding-DNA position 398, C replaced by T.
Protein change: p.Ala133Val; replaces alanine 133 with valine.
Molecular consequence: missense variant.
Genome position (GRCh38, 1-based): chrX:25,013,597, G>A on the plus strand (C>T on the coding strand, the complement: ARX is on the minus strand). VCF-style: chrX-25013597-G-A. GRCh37 (hg19) VCF-style: chrX-25031714-G-A.
Other names: short protein forms A133V.
Identifiers: ClinVar variation 961397 (VCV000961397.6), dbSNP rs1601948689, ClinGen allele CA412613261.

ClinVar aggregate classification (germline): Uncertain significance. Review status: criteria provided, multiple submitters, no conflicts (2 of 4 stars). 2 submissions from 2 submitters: Uncertain significance (2). Last evaluated 2023-10-20.

Conditions:
Developmental and epileptic encephalopathy, 1 (DEE1). Also called: Tonic spasms with clustering, arrest of psychomotor development and hypsarrhythmia on EEG; X-Linked Infantile Spasm Syndrome; X-linked infantile spasms; West's syndrome; INFANTILE SPASM SYNDROME, X-LINKED 1; OHTAHARA SYNDROME, X-LINKED. Identifiers: MedGen C3463992, MONDO:0010632, OMIM 308350. Disease mechanism: loss of function.
Intellectual disability, X-linked, with or without seizures, ARX-related. Also called: MENTAL RETARDATION, X-LINKED 29; MENTAL RETARDATION, X-LINKED 32; MENTAL RETARDATION, X-LINKED 33; MENTAL RETARDATION, X-LINKED 38; MENTAL RETARDATION, X-LINKED 43; MENTAL RETARDATION, X-LINKED 76. Identifiers: Orphanet 777, MedGen C0796244, MONDO:0010317, OMIM 300419.

Allele frequency attached by ClinVar (database versions not stated): gnomAD exomes below 0.00001; gnomAD 0.00001.
gnomAD v4.1: 3 of 750,075 alleles (0.0004%); highest among the groups gnomAD compares: Non-Finnish European, 0.00047%; no homozygotes.

Submissions (2):

GeneDx
Classification: Uncertain significance. Last evaluated: 2023-10-20. Review status: criteria provided, single submitter. Criteria: GeneDx Variant Classification Process June 2021. Collection method: clinical testing. Allele origin: germline. Affected: yes.
Comment: Not observed at significant frequency in large population cohorts (gnomAD); In silico analysis supports that this missense variant does not alter protein structure/function; Has not been previously published as pathogenic or benign to our knowledge

Labcorp Genetics (formerly Invitae), Labcorp
Classification: Uncertain significance for Developmental and epileptic encephalopathy, 1; Intellectual disability, X-linked, with or without seizures, ARX-related. Last evaluated: 2021-09-01. Review status: criteria provided, single submitter. Criteria: Invitae Variant Classification Sherloc (09022015). Collection method: clinical testing. Allele origin: germline.